The following is an entry in ClinVar:

ClinVar aggregate classification (germline): Conflicting classifications of pathogenicity. Review status: criteria provided, conflicting classifications (1 of 4 stars). 3 submissions from 3 submitters: Uncertain significance (2); Likely benign (1). Last evaluated 2023-03-23.

Conditions:
Hereditary cancer-predisposing syndrome. Also called: Neoplastic Syndromes, Hereditary; Tumor predisposition; Hereditary Cancer Syndrome; Hereditary neoplastic syndrome. Identifiers: Orphanet 140162, MedGen C0027672, MeSH D009386, MONDO:0015356.

Submissions (3):

University of Washington Department of Laboratory Medicine, University of Washington
Classification: Likely benign for Hereditary cancer-predisposing syndrome. Last evaluated: 2023-03-23. Review status: criteria provided, single submitter. Criteria: Dines et al. (Genet Med. 2020). Collection method: curation. Allele origin: germline.
Comment: Missense variant in a coldspot region where missense variants are very unlikely to be pathogenic (PMID:31911673).

BRCA1 coldspot (exon 11 using historical exon numbering). Reclassification based on statistical prior probability

Color Diagnostics, LLC DBA Color Health
Classification: Uncertain significance for Hereditary cancer-predisposing syndrome. Last evaluated: 2022-04-18. Review status: criteria provided, single submitter. Criteria: ACMG Guidelines, 2015. Collection method: clinical testing. Allele origin: germline.
Comment: This missense variant replaces glutamic acid with lysine at codon 842 of the BRCA1 protein. Computational prediction suggests that this variant may not impact protein structure and function (internally defined REVEL score threshold <= 0.5, PMID: 27666373). To our knowledge, functional studies have not been reported for this variant. This variant has not been reported in individuals affected with hereditary cancer in the literature. This variant has not been identified in the general population by the Genome Aggregation Database (gnomAD). The available evidence is insufficient to determine the role of this variant in disease conclusively. Therefore, this variant is classified as a Variant of Uncertain Significance.

Ambry Genetics
Classification: Uncertain significance for Hereditary cancer-predisposing syndrome. Last evaluated: 2015-02-05. Review status: criteria provided, single submitter. Criteria: Ambry Variant Classification Scheme 2023. Collection method: clinical testing. Allele origin: germline.
Comment: The p.E842K variant (also known as c.2524G>A and 2643G>A), located in coding exon 9 of the BRCA1 gene, results from a G to A substitution at nucleotide position 2524. The glutamic acid at codon 842 is replaced by lysine, an amino acid with similar properties. This variant was not reported in population based cohorts in the following databases: Database of Single Nucleotide Polymorphisms (dbSNP), NHLBI Exome Sequencing Project (ESP), and 1000 Genomes Project. In the ESP, this variant was not observed in 6503 samples (13006 alleles) with coverage at this position. To date, this alteration has been detected with an allele frequency of approximately 0.001% (greater than 105,000 alleles tested) in our clinical cohort. This amino acid position is well conserved in available vertebrate species. In addition, this alteration is predicted to be possibly damaging and tolerated by PolyPhen and SIFT in silico analyses, respectively. Since supporting evidence is limited at this time, the clinical significance of p.E842K remains unclear.

NM_007294.4(BRCA1):c.2524G>A (p.Glu842Lys)

Gene: BRCA1 (BRCA1 DNA repair associated; minus strand). Cytogenetic location: 17q21.31.
Variant type: single nucleotide variant.
Coding change: c.2524G>A on transcript NM_007294.4 (MANE Select); coding-DNA position 2524, G replaced by A.
Protein change: p.Glu842Lys; replaces glutamic acid 842 with lysine.
Molecular consequence: missense variant. On other transcripts: intron variant (137).
Genome position (GRCh38, 1-based): chr17:43,093,007, C>T on the plus strand (G>A on the coding strand, the complement: BRCA1 is on the minus strand). VCF-style: chr17-43093007-C-T. GRCh37 (hg19) VCF-style: chr17-41245024-C-T.
Other names: c.2443G>A, p.Glu815Lys (NM_001407662.1, NM_001407659.1, NM_001407660.1 and 1 more transcripts); c.2398G>A, p.Glu800Lys (NM_001407940.1, NM_001407941.1, NM_001407672.1 and 11 more transcripts); c.2383G>A, p.Glu795Lys (NM_001407942.1, NM_001407944.1, NM_001407692.1 and 29 more transcripts); c.2401G>A, p.Glu801Lys (NM_001407939.1, NM_001407664.1, NM_001407674.1 and 19 more transcripts); c.2380G>A, p.Glu794Lys (NM_001407943.1, NM_001407740.1, NM_001407741.1 and 20 more transcripts); c.2446G>A, p.Glu816Lys (NM_001407663.1, NM_001407653.1, NM_001407654.1 and 4 more transcripts); c.545-1975G>A (NM_001408495.1); c.661+1737G>A (NM_001408448.1, NM_001408445.1, NM_001408432.1 and 6 more transcripts); and 41 more; short protein forms E842K, E795K, E674K, E730K, E753K, E754K, E816K, E841K.
Identifiers: ClinVar variation 230412 (VCV000230412.10), dbSNP rs876658552, ClinGen allele CA10580612.
Genomic context (GRCh38, chr17:43,093,007, plus strand): 5'-TGAATGTATTCTGCAAATACTGAGCATCAAGTTCACTTTCTTCCATTTCTATGCTTGTTT[C>T]CCGACTGTGGTTAACTTCATGTCCCAATGGATACTTAAAGCCTTCTGTGTCATTTCTATT-3'
Protein context (NP_009225.1, residues 832-852): PLGHEVNHSR[Glu842Lys]TSIEMEESEL